The following is an entry in ClinVar:

ClinVar aggregate classification (germline): Uncertain significance (1 of 4 stars; one submission).

Conditions:
Osteogenesis imperfecta type I (OI1). Also called: Lobstein disease; OI, TYPE I; OSTEOGENESIS IMPERFECTA TARDA; OSTEOGENESIS IMPERFECTA WITH BLUE SCLERAE; Osteogenesis imperfecta type 1; Lobstein's Disease. Identifiers: Orphanet 216796, Orphanet 666, MedGen C0023931, MONDO:0008146, OMIM 166200. Disease mechanism: loss of function.
Ehlers-Danlos syndrome, classic type, 1 (EDSCL1). Also called: EDS I; EHLERS-DANLOS SYNDROME, GRAVIS TYPE; EHLERS-DANLOS SYNDROME, SEVERE CLASSIC TYPE; Ehlers-Danlos syndrome, type 1; Ehlers-Danlos Syndrome, Classic Type, COL5A1-Related. Identifiers: MedGen C0268335, MONDO:0019567, OMIM 130000.

Submission:

Labcorp Genetics (formerly Invitae), Labcorp
Classification: Uncertain significance for Osteogenesis imperfecta type I; Ehlers-Danlos syndrome, classic type, 1. Last evaluated: 2023-01-20. Review status: criteria provided, single submitter. Criteria: Invitae Variant Classification Sherloc (09022015). Collection method: clinical testing. Allele origin: germline.
Comment: In summary, the available evidence is currently insufficient to determine the role of this variant in disease. Therefore, it has been classified as a Variant of Uncertain Significance. Advanced modeling of protein sequence and biophysical properties (such as structural, functional, and spatial information, amino acid conservation, physicochemical variation, residue mobility, and thermodynamic stability) performed at Invitae indicates that this missense variant is not expected to disrupt COL1A2 protein function. This variant has not been reported in the literature in individuals affected with COL1A2-related conditions. This variant is not present in population databases (gnomAD no frequency). This sequence change replaces aspartic acid, which is acidic and polar, with asparagine, which is neutral and polar, at codon 1280 of the COL1A2 protein (p.Asp1280Asn).

NM_000089.4(COL1A2):c.3838G>A (p.Asp1280Asn)

Gene: COL1A2 (collagen type I alpha 2 chain; plus strand). Cytogenetic location: 7q21.3.
Variant type: single nucleotide variant.
Coding change: c.3838G>A on transcript NM_000089.4 (MANE Select); coding-DNA position 3838, G replaced by A.
Protein change: p.Asp1280Asn; replaces aspartic acid 1280 with asparagine.
Molecular consequence: missense variant.
Genome position (GRCh38, 1-based): chr7:94,429,314, G>A. VCF-style: chr7-94429314-G-A. GRCh37 (hg19) VCF-style: chr7-94058626-G-A.
Other names: short protein forms D1280N.
Identifiers: ClinVar variation 2936589 (VCV002936589.3), dbSNP rs2484741805, ClinGen allele CA368226862.